The following is an entry in ClinVar:

ClinVar aggregate classification (germline): Uncertain significance (1 of 4 stars; one submission).

Conditions:
Polyhydramnios, megalencephaly, and symptomatic epilepsy (PMSE). Also called: PMSE SYNDROME. Identifiers: Orphanet 500533, MedGen C1970203, MONDO:0012611, OMIM 611087.

Allele frequency attached by ClinVar (database versions not stated): gnomAD exomes below 0.00001 and 0.00001; TOPMed 0.00001; gnomAD 0.00002; ESP Exome Variant Server 0.00015.
gnomAD v4.1: 4 of 1,614,032 alleles (0.00025%); highest among the groups gnomAD compares: African/African-American, 0.004%; no homozygotes.

Submission:

Labcorp Genetics (formerly Invitae), Labcorp
Classification: Uncertain significance for Polyhydramnios, megalencephaly, and symptomatic epilepsy. Last evaluated: 2023-12-18. Review status: criteria provided, single submitter. Criteria: Invitae Variant Classification Sherloc (09022015). Collection method: clinical testing. Allele origin: germline.
Comment: This sequence change replaces serine, which is neutral and polar, with glycine, which is neutral and non-polar, at codon 237 of the STRADA protein (p.Ser237Gly). This variant is present in population databases (rs141993862, gnomAD 0.0009%). This variant has not been reported in the literature in individuals affected with STRADA-related conditions. ClinVar contains an entry for this variant (Variation ID: 1409897). An algorithm developed to predict the effect of missense changes on protein structure and function (PolyPhen-2) suggests that this variant is likely to be disruptive. In summary, the available evidence is currently insufficient to determine the role of this variant in disease. Therefore, it has been classified as a Variant of Uncertain Significance.

NM_001003787.4(STRADA):c.709A>G (p.Ser237Gly)

Gene: STRADA (STE20 related adaptor alpha; minus strand). Cytogenetic location: 17q23.3.
Variant type: single nucleotide variant.
Coding change: c.709A>G on transcript NM_001003787.4 (MANE Select); coding-DNA position 709, A replaced by G.
Protein change: p.Ser237Gly; replaces serine 237 with glycine.
Molecular consequence: missense variant.
Genome position (GRCh38, 1-based): chr17:63,707,291, T>C on the plus strand (A>G on the coding strand, the complement: STRADA is on the minus strand). VCF-style: chr17-63707291-T-C. GRCh37 (hg19) VCF-style: chr17-61784651-T-C.
Other names: c.598A>G, p.Ser200Gly (NM_001003786.3, NM_001363789.1, NM_153335.6); c.535A>G, p.Ser179Gly (NM_001003788.3, NM_001363790.1, NM_001363791.1); c.622A>G, p.Ser208Gly (NM_001165969.2, NM_001363787.1); c.577A>G, p.Ser193Gly (NM_001165970.2); c.685A>G, p.Ser229Gly (NM_001363786.1); c.709A>G, p.Ser237Gly (NM_001363788.1); short protein forms S200G, S208G, S237G, S179G, S193G, S229G.
Identifiers: ClinVar variation 1409897 (VCV001409897.6), dbSNP rs141993862, ClinGen allele CA292943417.